The following is an entry in ClinVar:

ClinVar aggregate classification (germline): Uncertain significance (1 of 4 stars; one submission).

Conditions:
Epileptic encephalopathy. Identifiers: MedGen C0543888, HP:0200134.

Allele frequency attached by ClinVar (database versions not stated): gnomAD exomes 0.00003; ExAC 0.00008.
gnomAD v4.1: 18 of 1,597,110 alleles (0.0011%); highest among the groups gnomAD compares: Middle Eastern, 0.017%; no homozygotes.

Submission:

Labcorp Genetics (formerly Invitae), Labcorp
Classification: Uncertain significance for Epileptic encephalopathy. Last evaluated: 2024-10-29. Review status: criteria provided, single submitter. Criteria: Invitae Variant Classification Sherloc (09022015). Collection method: clinical testing. Allele origin: germline.
Comment: This sequence change replaces proline, which is neutral and non-polar, with serine, which is neutral and polar, at codon 364 of the FASN protein (p.Pro364Ser). This variant is present in population databases (rs779558418, gnomAD 0.01%). This variant has not been reported in the literature in individuals affected with FASN-related conditions. ClinVar contains an entry for this variant (Variation ID: 949072). An algorithm developed to predict the effect of missense changes on protein structure and function outputs the following: PolyPhen-2: "Benign". The serine amino acid residue is found in multiple mammalian species, which suggests that this missense change does not adversely affect protein function. In summary, the available evidence is currently insufficient to determine the role of this variant in disease. Therefore, it has been classified as a Variant of Uncertain Significance.

NM_004104.5(FASN):c.1090C>T (p.Pro364Ser)

Gene: FASN (fatty acid synthase; minus strand). Cytogenetic location: 17q25.3.
Variant type: single nucleotide variant.
Coding change: c.1090C>T on transcript NM_004104.5 (MANE Select); coding-DNA position 1090, C replaced by T.
Protein change: p.Pro364Ser; replaces proline 364 with serine.
Molecular consequence: missense variant.
Genome position (GRCh38, 1-based): chr17:82,091,624, G>A on the plus strand (C>T on the coding strand, the complement: FASN is on the minus strand). VCF-style: chr17-82091624-G-A. GRCh37 (hg19) VCF-style: chr17-80049500-G-A.
Other names: short protein forms P364S.
Identifiers: ClinVar variation 949072 (VCV000949072.9), dbSNP rs779558418, ClinGen allele CA8853248.